The following is an entry in ClinVar:

ClinVar aggregate classification (germline): Conflicting classifications of pathogenicity. Review status: criteria provided, conflicting classifications (1 of 4 stars). 2 submissions from 2 submitters: Uncertain significance (1); Likely benign (1). Last evaluated 2024-08-06.

Conditions:
Hereditary nonpolyposis colorectal neoplasms. Identifiers: MedGen C0009405, MeSH D003123.
Hereditary cancer-predisposing syndrome. Also called: Hereditary Cancer Syndrome; Tumor predisposition; Hereditary neoplastic syndrome; Neoplastic Syndromes, Hereditary. Identifiers: Orphanet 140162, MedGen C0027672, MeSH D009386, MONDO:0015356.

Submissions (2):

Ambry Genetics
Classification: Likely benign for Hereditary cancer-predisposing syndrome. Last evaluated: 2024-08-06. Review status: criteria provided, single submitter. Criteria: Ambry Variant Classification Scheme 2023. Collection method: clinical testing. Allele origin: germline.

Labcorp Genetics (formerly Invitae), Labcorp
Classification: Uncertain significance for Hereditary nonpolyposis colorectal neoplasms. Last evaluated: 2018-10-07. Review status: criteria provided, single submitter. Criteria: Invitae Variant Classification Sherloc (09022015). Collection method: clinical testing. Allele origin: germline.
Comment: This variant is not present in population databases (ExAC no frequency). In summary, the available evidence is currently insufficient to determine the role of this variant in disease. Therefore, it has been classified as a Variant of Uncertain Significance. Algorithms developed to predict the effect of missense changes on protein structure and function output the following: SIFT: "Tolerated"; PolyPhen-2: "Benign"; Align-GVGD: "Class C0". The threonine amino acid residue is found in multiple mammalian species, suggesting that this missense change does not adversely affect protein function. These predictions have not been confirmed by published functional studies and their clinical significance is uncertain. This variant has not been reported in the literature in individuals with PMS2-related disease. This sequence change replaces serine with threonine at codon 476 of the PMS2 protein (p.Ser476Thr). The serine residue is weakly conserved and there is a small physicochemical difference between serine and threonine.

NM_000535.7(PMS2):c.1427G>C (p.Ser476Thr)

Gene: PMS2 (PMS1 homolog 2, mismatch repair system component; minus strand). Cytogenetic location: 7p22.1.
Variant type: single nucleotide variant.
Coding change: c.1427G>C on transcript NM_000535.7 (MANE Select); coding-DNA position 1427, G replaced by C.
Protein change: p.Ser476Thr; replaces serine 476 with threonine.
Molecular consequence: missense variant. On other transcripts: non-coding transcript variant (1).
Genome position (GRCh38, 1-based): chr7:5,987,338, C>G on the plus strand (G>C on the coding strand, the complement: PMS2 is on the minus strand). VCF-style: chr7-5987338-C-G. GRCh37 (hg19) VCF-style: chr7-6026969-C-G.
Other names: c.1022G>C, p.Ser341Thr (NM_001322003.2, NM_001322004.2, NM_001322005.2 and 1 more transcripts); c.1271G>C, p.Ser424Thr (NM_001322006.2); c.1109G>C, p.Ser370Thr (NM_001322007.2, NM_001322008.2); c.866G>C, p.Ser289Thr (NM_001322010.2); c.494G>C, p.Ser165Thr (NM_001322011.2, NM_001322012.2); c.854G>C, p.Ser285Thr (NM_001322013.2); c.1427G>C, p.Ser476Thr (NM_001322014.2); c.1118G>C, p.Ser373Thr (NM_001322015.2); short protein forms S165T, S370T, S373T, S289T, S341T, S476T, S285T, S424T.
Identifiers: ClinVar variation 647368 (VCV000647368.9), dbSNP rs1583320215, ClinGen allele CA366742024.
Genomic context (GRCh38, chr7:5,987,338, plus strand): 5'-TGCCCCGAGTCCTTCTCCACCTCCGCTCTGTCCGTAGGGTCACTGGGTCCGTGACTGGAA[C>G]TCACTGCCTCTTTCTGAGGTCTCAGGACGCCTTTGTCAGAGATGGCACCTGAAGTGCTAG-3'
Protein context (NP_000526.2, residues 466-486): GVLRPQKEAV[Ser476Thr]SSHGPSDPTD